The following is an entry in ClinVar:

ClinVar aggregate classification (germline): Likely pathogenic (1 of 4 stars; one submission).

Conditions:
RYR1-related disorder. Also called: RYR1-related condition; RYR1-related disorders. Identifiers: MedGen CN239331.

Submission:

Labcorp Genetics (formerly Invitae), Labcorp
Classification: Likely pathogenic for RYR1-related disorder. Last evaluated: 2023-05-22. Review status: criteria provided, single submitter. Criteria: Invitae Variant Classification Sherloc (09022015). Collection method: clinical testing. Allele origin: germline.
Comment: In summary, the currently available evidence indicates that the variant is pathogenic, but additional data are needed to prove that conclusively. Therefore, this variant has been classified as Likely Pathogenic. Algorithms developed to predict the effect of sequence changes on RNA splicing suggest that this variant may disrupt the consensus splice site. This variant has not been reported in the literature in individuals affected with RYR1-related conditions. This variant is not present in population databases (gnomAD no frequency). This sequence change affects a donor splice site in intron 40 of the RYR1 gene. It is expected to disrupt RNA splicing. Variants that disrupt the donor or acceptor splice site typically lead to a loss of protein function (PMID: 16199547), and loss-of-function variants in RYR1 are known to be pathogenic (PMID: 23919265, 25960145, 28818389, 30611313).

Literature cited by the submitters: PubMed 16199547; PubMed 23919265; PubMed 25960145; PubMed 28818389; PubMed 30611313.

NM_000540.3(RYR1):c.6663+2T>C

Gene: RYR1 (ryanodine receptor 1; plus strand). Cytogenetic location: 19q13.2.
Variant type: single nucleotide variant.
Coding change: c.6663+2T>C on transcript NM_000540.3 (MANE Select); the canonical splice donor site of the intron after coding-DNA position 6663, T replaced by C.
Molecular consequence: splice donor variant.
Genome position (GRCh38, 1-based): chr19:38,496,331, T>C. VCF-style: chr19-38496331-T-C. GRCh37 (hg19) VCF-style: chr19-38986971-T-C.
Other names: c.6663+2T>C (NM_001042723.2).
Identifiers: ClinVar variation 2867238 (VCV002867238.3), dbSNP rs2514287398, ClinGen allele CA405666147.
Genomic context (GRCh38, chr19:38,496,331, plus strand): 5'-GCATGCACGAGACGGTCATGGAGGTCATGGTCAACGTCCTCGGGGGCGGCGAGTCCAAGG[T>C]GAGGGCCCAGGCAGGTGCTGGGGAGCTCAGGGGAGGCAGCCACAGAGGGCAGGCCCTGAC-3'